The following is an entry in ClinVar:

NM_133433.4(NIPBL):c.8246C>A (p.Thr2749Asn)

Gene: NIPBL (NIPBL cohesin loading factor; plus strand). Cytogenetic location: 5p13.2.
Variant type: single nucleotide variant.
Coding change: c.8246C>A on transcript NM_133433.4 (MANE Select); coding-DNA position 8246, C replaced by A.
Protein change: p.Thr2749Asn; replaces threonine 2749 with asparagine.
Molecular consequence: missense variant. On other transcripts: 3 prime UTR variant (1).
Genome position (GRCh38, 1-based): chr5:37,064,723, C>A. VCF-style: chr5-37064723-C-A. GRCh37 (hg19) VCF-style: chr5-37064825-C-A.
Other names: c.*700C>A (NM_015384.5); short protein forms T2749N.
Identifiers: ClinVar variation 3901366 (VCV003901366.1).

ClinVar aggregate classification (germline): Uncertain significance (1 of 4 stars; one submission).

Submission:

GeneDx
Classification: Uncertain significance. Last evaluated: 2024-12-05. Review status: criteria provided, single submitter. Criteria: GeneDx Variant Classification Process June 2021. Collection method: clinical testing. Allele origin: germline. Affected: yes.
Comment: Not observed at significant frequency in large population cohorts (gnomAD); In silico analysis indicates that this missense variant does not alter protein structure/function; Has not been previously published as pathogenic or benign to our knowledge